The following is an entry in ClinVar:

NM_182916.3(TRNT1):c.1057-7C>G

Gene: TRNT1 (tRNA nucleotidyl transferase 1; plus strand). Cytogenetic location: 3p26.2.
Variant type: single nucleotide variant.
Coding change: c.1057-7C>G on transcript NM_182916.3 (MANE Select); 7 bases into the intron before coding-DNA position 1057, C replaced by G.
Molecular consequence: intron variant.
Genome position (GRCh38, 1-based): chr3:3,147,899, C>G. VCF-style: chr3-3147899-C-G. GRCh37 (hg19) VCF-style: chr3-3189583-C-G.
Other names: p.?; IVS6AS, C-G, -7; c.1057-7C>G (LRG_1314t1, NM_001367321.1, NM_001367323.1 and 1 more transcripts); c.997-7C>G (NM_001302946.2).
Identifiers: ClinVar variation 157615 (VCV000157615.22), dbSNP rs368078167, ClinGen allele CA249572.
Genomic context (GRCh38, chr3:3,147,899, plus strand): 5'-TTAGGATAAGATTGTAAGTGTATGTTTTCATGTGTGACGAAACTAAATGTTTGATTTTGA[C>G]ACGTAGTCTAGGGAACCTGATGCAACTACTCGTGTATGTGAACTACTGAAGTACCAAGGA-3'

ClinVar aggregate classification (germline): Conflicting classifications of pathogenicity. Review status: criteria provided, conflicting classifications (1 of 4 stars). 9 submissions from 9 submitters: Pathogenic (3); Likely pathogenic (2); Uncertain significance (3). 1 of the submissions does not count toward it. Last evaluated 2026-01-23.

Conditions:
TRNT1-related disorder. Also called: TRNT1-related disorders; TRNT1-related condition.
Retinitis pigmentosa and erythrocytic microcytosis (RPEM). Identifiers: MedGen C4310776, MONDO:0014850, OMIM 616959.
Congenital sideroblastic anemia-B-cell immunodeficiency-periodic fever-developmental delay syndrome. Also called: Sideroblastic anemia with B-cell immunodeficiency, periodic fevers, and developmental delay. Identifiers: Orphanet 369861, MedGen C4015172, MONDO:0014487, OMIM 616084.

Allele frequency attached by ClinVar (database versions not stated): ESP Exome Variant Server 0.00008; ExAC 0.00013; TOPMed 0.00015.
gnomAD v4.1: 317 of 1,602,434 alleles (0.02%); highest among the groups gnomAD compares: Non-Finnish European, 0.025%; no homozygotes.

Submissions (9):

Labcorp Genetics (formerly Invitae), Labcorp
Classification: Pathogenic for Congenital sideroblastic anemia-B-cell immunodeficiency-periodic fever-developmental delay syndrome. Last evaluated: 2026-01-23. Review status: criteria provided, single submitter. Criteria: Invitae Variant Classification Sherloc (09022015). Collection method: clinical testing. Allele origin: germline.
Comment: This sequence change falls in intron 7 of the TRNT1 gene. It does not directly change the encoded amino acid sequence of the TRNT1 protein. This variant is present in population databases (rs368078167, gnomAD 0.02%). This variant has been observed in individual(s) with TRNT1-related congenital sideroblastic anemia (PMID: 25193871, 34510712). It has also been observed to segregate with disease in related individuals. ClinVar contains an entry for this variant (Variation ID: 157615). Algorithms developed to predict the effect of sequence changes on RNA splicing suggest that this variant may disrupt the consensus splice site. For these reasons, this variant has been classified as Pathogenic.

Mayo Clinic Laboratories, Mayo Clinic
Classification: Uncertain significance. Last evaluated: 2025-09-16. Review status: criteria provided, single submitter. Criteria: ACMG Guidelines, 2015. Collection method: clinical testing. Allele origin: germline. Observed: 2 variant alleles.
Comment: PM2_supporting, PM3

Dasa
Classification: Likely pathogenic. Last evaluated: 2025-01-10. Review status: criteria provided, single submitter. Criteria: DASA Assertion Criteria. Collection method: clinical testing. Allele origin: germline.
Comment: NM_182916.3(TRNT1):c.1057-7C>G is a splice-region variant predicted to affect normal RNA splicing. This variant has been recurrently observed in individuals with TRNT1-related disorders (PMID: 29610179; PMID: 34510712; PMID: 26494905; PMID: 32371413; PMID: 25193871). Also, this variant is rare in population databases. Computational evidence supports a deleterious effect. Based on the currently available evidence, this variant is classified as likely pathogenic.

Blueprint Genetics
Classification: Pathogenic for TRNT1-related disorders. Last evaluated: 2024-03-08. Review status: criteria provided, single submitter. Criteria: ACMG Guidelines, 2015. Collection method: clinical testing. Allele origin: germline. Affected: yes. Observed: 5 variant alleles.

Women's Health and Genetics/Laboratory Corporation of America, LabCorp
Classification: Pathogenic for TRNT1-Related Disorders. Last evaluated: 2023-02-14. Review status: criteria provided, single submitter. Criteria: LabCorp Variant Classification Summary - May 2015. Collection method: clinical testing. Allele origin: germline.
Comment: Variant summary: TRNT1 c.1057-7C>G alters a non-conserved nucleotide located close to a canonical splice site and therefore could affect mRNA splicing, leading to a significantly altered protein sequence. Several computational tools predict a significant impact on normal splicing: Two predict the variant abolishes a 3' acceptor site, while one predicts the variant creates a novel 3' acceptor site. However, these predictions have yet to be confirmed by functional studies. The variant allele was found at a frequency of 0.00013 in 244106 control chromosomes (gnomAD). c.1057-7C>G has been reported in the literature in compound heterozygous individuals affected with TRNT1-Related Disorders (e.g. Chakraborty_2014, Bader-Meunier_2018, Miller_2020, Odom_2021), and several of these individuals carried a (likely) pathogenic 2nd variant. These data indicate that the variant is very likely to be associated with disease. To our knowledge, no experimental evidence demonstrating an impact on protein function has been reported. Three clinical diagnostic laboratories have submitted clinical-significance assessments for this variant to ClinVar after 2014 without evidence for independent evaluation. Based on the evidence outlined above, the variant was classified as pathogenic.

Revvity Omics, Revvity
Classification: Uncertain significance. Last evaluated: 2020-07-10. Review status: criteria provided, single submitter. Criteria: ACMG Guidelines, 2015. Collection method: clinical testing. Allele origin: germline.

GeneDx
Classification: Uncertain significance. Last evaluated: 2018-11-20. Review status: criteria provided, single submitter. Criteria: GeneDx Variant Classification (06012015). Collection method: clinical testing. Allele origin: germline. Affected: yes.
Comment: The c.1057-7 C>G variant has been published in three unrelated patients with congential sideroblastic anemia who also harbored the same missense variant in the TRNT1 gene; the phase of the two variants was not reported (Chakraborty et al. 2014). The c.1057-7 C>G variant is observed in 13/66240 (0.02%) alleles from individuals of European background, in large population cohorts (Lek et al., 2016; 1000 Genomes Consortium et al., 2015; Exome Variant Server). This substitution occurs at a position that is not conserved. In-silico splice prediction models were not informative as to whether or not c.1057-7 C>G is expected to affect normal gene splicing, and in the absence of RNA/functional studies, the actual effect of this sequence change in this individual is unknown. Therefore, based on the currently available information, it is unclear whether this variant is a pathogenic variant or a rare benign variant.

Institute for Genomic Medicine (IGM) Clinical Laboratory, Nationwide Children's Hospital
Classification: Likely pathogenic for Retinitis pigmentosa and erythrocytic microcytosis; Congenital sideroblastic anemia-B-cell immunodeficiency-periodic fever-developmental delay syndrome. Last evaluated: 2018-10-31. Review status: criteria provided, single submitter. Criteria: ACMG Guidelines, 2015. Collection method: clinical testing. Allele origin: germline. Affected: yes.
Comment: [ACMG/AMP: PM2, PM3, PP3, PP5] This alteration is absent from or rarely observed in large-scale population databases [PM2], is detected in trans with a known pathogenic variant [PM3], is predicted to be damaging by multiple functional prediction tools [PP3], was reported as a pathogenic/likely pathogenic alteration by a reputable source (ClinVar or other correspondence from a clinical testing laboratory) [PP5].

OMIM
Classification: Pathogenic for SIDEROBLASTIC ANEMIA WITH B-CELL IMMUNODEFICIENCY, PERIODIC FEVERS, AND DEVELOPMENTAL DELAY. Last evaluated: 2014-10-30. Review status: no assertion criteria provided. Collection method: literature only. Allele origin: germline. Not counted in ClinVar's aggregate classification.

Literature cited by the submitters: PubMed 25193871 (cited by 5 submitters); PubMed 34510712 (cited by 4 submitters); PubMed 29610179 (cited by 3 submitters); PubMed 31664448 (cited by Mayo Clinic Laboratories, Mayo Clinic and Women's Health and Genetics/Laboratory Corporation of America, LabCorp); PubMed 26494905 (cited by Dasa); PubMed 32371413 (cited by Dasa and Women's Health and Genetics/Laboratory Corporation of America, LabCorp).